The following is an entry in ClinVar:

NM_000038.6(APC):c.2834G>C (p.Arg945Thr)

Gene: APC (APC regulator of Wnt signaling pathway; plus strand). Cytogenetic location: 5q22.2.
Variant type: single nucleotide variant.
Coding change: c.2834G>C on transcript NM_000038.6 (MANE Select); coding-DNA position 2834, G replaced by C.
Protein change: p.Arg945Thr; replaces arginine 945 with threonine.
Molecular consequence: missense variant. On other transcripts: non-coding transcript variant (2).
Genome position (GRCh38, 1-based): chr5:112,838,428, G>C. VCF-style: chr5-112838428-G-C. GRCh37 (hg19) VCF-style: chr5-112174125-G-C.
Other names: c.1985G>C, p.Arg662Thr (NM_001354906.2, NM_001407470.1); c.2918G>C, p.Arg973Thr (NM_001407446.1); c.2888G>C, p.Arg963Thr (NM_001407447.1, NM_001407448.1, NM_001407449.1 and 1 more transcripts); c.2834G>C, p.Arg945Thr (NM_001407450.1, NM_001127510.3, NM_001354895.2); c.2813G>C, p.Arg938Thr (NM_001407451.1); c.2804G>C, p.Arg935Thr (NM_001407452.1); c.2657G>C, p.Arg886Thr (NM_001407453.1, NM_001354901.2); c.2585G>C, p.Arg862Thr (NM_001407454.1, NM_001407455.1, NM_001407456.1 and 1 more transcripts); and 11 more; short protein forms R662T, R886T, R945T, R561T, R862T, R904T, R920T, R963T.
Identifiers: ClinVar variation 5025064 (VCV005025064.1).

ClinVar aggregate classification (germline): Uncertain significance (1 of 4 stars; one submission).

Conditions:
Hereditary cancer-predisposing syndrome. Also called: Neoplastic Syndromes, Hereditary; Tumor predisposition; Hereditary neoplastic syndrome; Hereditary Cancer Syndrome. Identifiers: Orphanet 140162, MedGen C0027672, MeSH D009386, MONDO:0015356.

Submission:

Ambry Genetics
Classification: Uncertain significance for Hereditary cancer-predisposing syndrome. Last evaluated: 2026-07-06. Review status: criteria provided, single submitter. Criteria: Ambry Variant Classification Scheme 2023. Collection method: clinical testing. Allele origin: germline.
Comment: The p.R945T variant (also known as c.2834G>C), located in coding exon 15 of the APC gene, results from a G to C substitution at nucleotide position 2834. The arginine at codon 945 is replaced by threonine, an amino acid with similar properties. This amino acid position is conserved. In addition, in silico predictors for this gene do not accurately predict pathogenicity. Based on the available evidence, the clinical significance of this variant remains unclear.